The following is an entry in ClinVar:

ClinVar aggregate classification (germline): Pathogenic/Likely pathogenic. Review status: criteria provided, multiple submitters, no conflicts (2 of 4 stars). 5 submissions from 5 submitters: Pathogenic (1); Likely pathogenic (3). 1 of the submissions does not count toward it. Last evaluated 2025-02-07.

Conditions:
Oculocutaneous albinism type 1A (OCA1A). Also called: Albinism, oculocutaneous, type IA. Identifiers: Orphanet 352731, Orphanet 79431, MedGen C4551504, MONDO:0008745, OMIM 203100. Disease mechanism: loss of function.
Oculocutaneous albinism type 1B (OCA1B). Also called: YELLOW ALBINISM; ALBINISM, OCULOCUTANEOUS, TYPE IB; ALBINISM, YELLOW MUTANT TYPE. Identifiers: Orphanet 352731, Orphanet 352737, Orphanet 79434, MedGen C1847024, MONDO:0011749, OMIM 606952.
SKIN/HAIR/EYE PIGMENTATION 3, LIGHT/DARK SKIN (SHEP3). Also called: SKIN/HAIR/EYE PIGMENTATION 3, BLUE/GREEN EYE COLOR; SKIN/HAIR/EYE PIGMENTATION 3, FRECKLING; EYE COLOR 1; EYE COLOR, GREEN/BLUE; SKIN/HAIR/EYE PIGMENTATION, VARIATION IN, 3. Identifiers: MedGen C2677190, OMIM 601800.
Oculocutaneous albinism type 1. Also called: Albinism 1; ALBINISM I. Identifiers: Orphanet 352731, MedGen C0268494, MONDO:0018135. Disease mechanism: loss of function.
TYR-related disorder. Also called: TYR-related condition.

Allele frequency attached by ClinVar (database versions not stated): ExAC 0.00002.
gnomAD v4.1: 4 of 1,611,012 alleles (0.00025%); highest among the groups gnomAD compares: Non-Finnish European, 0.00017%; no homozygotes.

Submissions (5):

Myriad Genetics, Inc.
Classification: Likely pathogenic for Oculocutaneous albinism type 1. Last evaluated: 2025-02-07. Review status: criteria provided, single submitter. Criteria: Myriad Autosomal Dominant, Autosomal Recessive and X-Linked Classification Criteria (2023). Collection method: clinical testing. Allele origin: unknown.
Comment: NM_000372.4(TYR):c.1037-3C>G is an intronic variant classified as likely pathogenic in the context of oculocutaneous albinism, TYR-related. c.1037-3C>G has been observed in cases with relevant disease (PMID: 27734839, Ionova_2022_(Article), 39457547). Relevant functional assessments of this variant are not available in the literature. c.1037-3C>G has been observed in referenced population frequency databases. In summary, NM_000372.4(TYR):c.1037-3C>G is an intronic variant that has been observed more frequently in cases with the relevant disease than in healthy populations. Please note: this variant was assessed in the context of healthy population screening.

Laboratory of Genetic Epidemiology, Research Centre for Medical Genetics
Classification: Likely pathogenic for Oculocutaneous albinism type 1A; Oculocutaneous albinism type 1B. Last evaluated: 2025-01-01. Review status: criteria provided, single submitter. Criteria: ACMG Guidelines, 2015. Collection method: clinical testing. Allele origin: maternal. Inheritance: Autosomal recessive inheritance. Affected: yes. Observed: 1 compound heterozygote.
Comment: The splicing variant NM_000372.5:c.1037-3C>G, p.? was identified in a compound heterozygous state in two probands diagnosed with albinism. The variant is not listed in gnomAD v3.1.2. According to splicing predictors (SpliceAI), the variant is predicted to affect splicing (acceptor loss with score 0.97). The functional analysis was conducted for this variant, as a result the variant leads to destruction of the intron 2 acceptor splice site, which resulted in the formation of two aberrant isoforms: 1) the first formed due to the activation of a cryptic acceptor splice site in intron 2 and elongation of exon 3 by two nucleotides (ex3_ins2), at the protein level, this elongation leads to the formation of a premature stop codon (NP_000363.1:p.Gly345GlufsTer10); 2) the second isoform was generated due to complete skipping of exon 3 (ex3_skipping), at the protein level this results in a premature stop codon (NP_000363.1:p.Gly345ValfsTer90). Taken together, the variant meets the following ACMG/AMP criteria and can be classified as likely pathogenic with PM2, PS3, PM3, PP4 criteria.

Labcorp Genetics (formerly Invitae), Labcorp
Classification: Pathogenic. Last evaluated: 2024-09-30. Review status: criteria provided, single submitter. Criteria: Invitae Variant Classification Sherloc (09022015). Collection method: clinical testing. Allele origin: germline.
Comment: This sequence change falls in intron 2 of the TYR gene. It does not directly change the encoded amino acid sequence of the TYR protein. It affects a nucleotide within the consensus splice site. This variant is present in population databases (rs779929859, gnomAD 0.01%). This variant has been observed in individual(s) with clinical features of autosomal recessive TYR-related conditions (PMID: 27734839; internal data). In at least one individual the data is consistent with being in trans (on the opposite chromosome) from a pathogenic variant. ClinVar contains an entry for this variant (Variation ID: 2137234). Variants that disrupt the consensus splice site are a relatively common cause of aberrant splicing (PMID: 17576681, 9536098). Algorithms developed to predict the effect of sequence changes on RNA splicing suggest that this variant may disrupt the consensus splice site. For these reasons, this variant has been classified as Pathogenic.

Fulgent Genetics
Classification: Likely pathogenic for Oculocutaneous albinism type 1A; SKIN/HAIR/EYE PIGMENTATION 3, LIGHT/DARK SKIN; Oculocutaneous albinism type 1B. Last evaluated: 2024-06-15. Review status: criteria provided, single submitter. Criteria: ACMG Guidelines, 2015. Collection method: clinical testing. Allele origin: germline.

PreventionGenetics, part of Exact Sciences
Classification: Likely pathogenic for TYR-related condition. Last evaluated: 2023-12-30. Review status: no assertion criteria provided. Collection method: clinical testing. Allele origin: germline. Not counted in ClinVar's aggregate classification.
Comment: The TYR c.1037-3C>G variant is predicted to interfere with splicing. This variant is predicted to both decrease the strength of the canonical splice site and introduce a cryptic splice site based on available splicing prediction software (SpliceAI, Jaganathan et al. 2019. PubMed ID: 30661751). This variant has been reported along with a second TYR variant in at least two individuals with oculocutaneous albinism (Mauri et al. 2017. PubMed ID: 27734839). This variant is reported in 0.010% of alleles in individuals of Ashkenazi Jewish descent in gnomAD. Given the evidence, we interpret this variant as likely pathogenic.

Literature cited by the submitters: PubMed 41428507 (cited by Laboratory of Genetic Epidemiology, Research Centre for Medical Genetics); PubMed 27734839 (cited by Labcorp Genetics (formerly Invitae), Labcorp); PubMed 17576681 (cited by Labcorp Genetics (formerly Invitae), Labcorp); PubMed 9536098 (cited by Labcorp Genetics (formerly Invitae), Labcorp).

NM_000372.5(TYR):c.1037-3C>G

Gene: TYR (tyrosinase; plus strand). Cytogenetic location: 11q14.3.
Variant type: single nucleotide variant.
Coding change: c.1037-3C>G on transcript NM_000372.5 (MANE Select); 3 bases into the intron before coding-DNA position 1037, C replaced by G.
Molecular consequence: intron variant.
Genome position (GRCh38, 1-based): chr11:89,227,820, C>G. VCF-style: chr11-89227820-C-G. GRCh37 (hg19) VCF-style: chr11-88960988-C-G.
Other names: c.1037-3C>G (NM_000372.4).
Identifiers: ClinVar variation 2137234 (VCV002137234.10), dbSNP rs779929859, ClinGen allele CA6221330.